The following is an entry in ClinVar:

NM_001042492.3(NF1):c.6424A>C (p.Ser2142Arg)

Gene: NF1 (neurofibromin 1; plus strand). Cytogenetic location: 17q11.2.
Variant type: single nucleotide variant.
Coding change: c.6424A>C on transcript NM_001042492.3 (MANE Select); coding-DNA position 6424, A replaced by C.
Protein change: p.Ser2142Arg; replaces serine 2142 with arginine.
Molecular consequence: missense variant.
Genome position (GRCh38, 1-based): chr17:31,336,911, A>C. VCF-style: chr17-31336911-A-C. GRCh37 (hg19) VCF-style: chr17-29663929-A-C.
Other names: c.6361A>C, p.Ser2121Arg (NM_000267.4); short protein forms S2121R, S2142R.
Identifiers: ClinVar variation 431670 (VCV000431670.15), dbSNP rs1135402886, ClinGen allele CA399012964.
Genomic context (GRCh38, chr17:31,336,911, plus strand): 5'-ACACATGGACTGGTCATTAATATCATTCACTCTCTGTGTACTTGTTCACAGCTTCATTTT[A>C]GTGGTAAGTTCTAGGAAAGGAATTTGTGTTTACCAGTTCCTTTCTCCATTTTACTTCACC-3'
Protein context (NP_001035957.1, residues 2132-2152): SLCTCSQLHF[Ser2142Arg]EETKQVLRLS

ClinVar aggregate classification (germline): Conflicting classifications of pathogenicity. Review status: criteria provided, conflicting classifications (1 of 4 stars). 4 submissions from 4 submitters: Uncertain significance (2); Likely benign (1). 1 of the submissions does not count toward it. Last evaluated 2026-01-31.

Conditions:
Hereditary cancer-predisposing syndrome. Also called: Hereditary neoplastic syndrome; Tumor predisposition; Neoplastic Syndromes, Hereditary; Hereditary Cancer Syndrome. Identifiers: Orphanet 140162, MedGen C0027672, MeSH D009386, MONDO:0015356.
Cardiovascular phenotype. Identifiers: MedGen CN230736.
Neurofibromatosis, type 1 (NF1). Also called: Neurofibromatosis, type I; NEUROFIBROMATOSIS, TYPE I, SOMATIC; Peripheral type neurofibromatosis; VON RECKLINGHAUSEN DISEASE. Identifiers: Orphanet 636, MedGen C0027831, MONDO:0018975, OMIM 162200. Disease mechanism: loss of function.

Submissions (4):

Labcorp Genetics (formerly Invitae), Labcorp
Classification: Likely benign for Neurofibromatosis, type 1. Last evaluated: 2026-01-31. Review status: criteria provided, single submitter. Criteria: Invitae Variant Classification Sherloc (09022015). Collection method: clinical testing. Allele origin: germline.

Ambry Genetics
Classification: Uncertain significance for Cardiovascular phenotype; Hereditary cancer-predisposing syndrome. Last evaluated: 2024-07-04. Review status: criteria provided, single submitter. Criteria: Ambry Variant Classification Scheme 2023. Collection method: clinical testing. Allele origin: germline.
Comment: The p.S2121R variant (also known as c.6361A>C), located in coding exon 41 of the NF1 gene, results from an A to C substitution at nucleotide position 6361. The serine at codon 2121 is replaced by arginine, an amino acid with dissimilar properties. This alteration was identified in an individual with a clinical diagnosis of neurofibromatosis type 1 (NF1) (Bonatti F et al. Int J Mol Sci, 2017 Sep;18:). This amino acid position is highly conserved in available vertebrate species. In addition, this alteration is predicted to be deleterious by in silico analysis. Based on the available evidence, the clinical significance of this variant remains unclear.

Genome-Nilou Lab
Classification: Uncertain significance for Neurofibromatosis, type 1. Last evaluated: 2022-03-15. Review status: criteria provided, single submitter. Criteria: ACMG Guidelines, 2015. Collection method: clinical testing. Allele origin: germline. Affected: no.

Medical Genetics, University of Parma
Classification: Uncertain significance for Neurofibromatosis type 1. Last evaluated: 2017-02-02. Review status: no assertion criteria provided. Collection method: clinical testing. Allele origin: germline. Affected: yes. Not counted in ClinVar's aggregate classification.

Literature cited by the submitters: PubMed 28961165 (cited by Ambry Genetics).